The following is an entry in ClinVar:

NM_001206999.2(CIT):c.675_689del (p.Glu225_Val229del)

Gene: CIT (citron rho-interacting serine/threonine kinase; minus strand). Cytogenetic location: 12q24.23.
Variant type: Deletion.
Coding change: c.675_689del on transcript NM_001206999.2 (MANE Select); coding-DNA positions 675 to 689, 15 bases deleted (GAACATTCTCGTTGA).
Protein change: p.Glu225_Val229del.
Molecular consequence: inframe deletion.
Genome position (GRCh38, 1-based): chr12:119,832,835-119,832,849, TCAACGAGAATGTTC deleted on the plus strand (GAACATTCTCGTTGA on the coding strand, the reverse complement: CIT is on the minus strand); deleting any 15 consecutive bases within chr12:119,832,835-119,832,852 gives the same sequence; the c. name uses the placement nearest the transcript's 3' end. VCF-style (leftmost placement, unchanged base first): chr12-119832834-GTCAACGAGAATGTTC-G. GRCh37 (hg19) VCF-style: chr12-120270638-GTCAACGAGAATGTTC-G.
Other names: p.Glu225_Val229del; c.675_689del, p.Glu225_Val229del (NM_007174.3).
Identifiers: ClinVar variation 4056444 (VCV004056444.1).

ClinVar aggregate classification (germline): Uncertain significance (1 of 4 stars; one submission).

Conditions:
Microcephaly 17, primary, autosomal recessive (MCPH17). Identifiers: Orphanet 2512, MedGen C4310723, MONDO:0014908, OMIM 617090.

Submission:

Department of Molecular Genetics, Istishari Arab Hospital
Classification: Uncertain significance for Microcephaly 17, primary, autosomal recessive. Last evaluated: 2025-07-13. Review status: criteria provided, single submitter. Criteria: ACMG Guidelines, 2015. Collection method: clinical testing. Allele origin: inherited. Inheritance: Autosomal recessive inheritance. Affected: yes.
Comment: The CIT variant c.675_689del creates a deletion in the reading frame of 5 codons from position 225 to 229. To the best of our knowledge, this variant was not previously reported in literature. It is classified as variant of uncertain significance according to the recommendations of ACMG/AMP/ClinGen SVI guidelines.